The following is an entry in ClinVar:

ClinVar aggregate classification (germline): Uncertain significance (1 of 4 stars; one submission).

Conditions:
GALE-related disorder. Also called: GALE-related condition.

gnomAD v4.1: 9 of 1,613,910 alleles (0.00056%); highest among the groups gnomAD compares: Admixed American, 0.0083%; no homozygotes.

Submission:

PreventionGenetics, part of Exact Sciences
Classification: Uncertain significance for GALE-related condition. Last evaluated: 2026-06-11. Review status: criteria provided, single submitter. Criteria: ACMG Guidelines, 2015. Collection method: clinical testing. Allele origin: germline.
Comment: The GALE c.152G>A variant is predicted to result in the amino acid substitution p.Arg51Gln. To our knowledge, this variant has not been reported in the literature. This variant is reported in 0.012% of alleles in individuals of Latino descent in gnomAD. At this time, the clinical significance of this variant is uncertain due to the absence of conclusive functional and genetic evidence.

NM_001008216.2(GALE):c.152G>A (p.Arg51Gln)

Gene: GALE (UDP-galactose-4-epimerase; minus strand). Cytogenetic location: 1p36.11.
Variant type: single nucleotide variant.
Coding change: c.152G>A on transcript NM_001008216.2 (MANE Select); coding-DNA position 152, G replaced by A.
Protein change: p.Arg51Gln; replaces arginine 51 with glutamine.
Molecular consequence: missense variant.
Genome position (GRCh38, 1-based): chr1:23,798,700, C>T on the plus strand (G>A on the coding strand, the complement: GALE is on the minus strand). VCF-style: chr1-23798700-C-T. GRCh37 (hg19) VCF-style: chr1-24125190-C-T.
Other names: c.152G>A, p.Arg51Gln (NM_000403.4, NM_001127621.2); short protein forms R51Q.
Identifiers: ClinVar variation 4987977 (VCV004987977.1).